The following is an entry in ClinVar:

ClinVar aggregate classification (germline): Pathogenic/Likely pathogenic. Review status: criteria provided, multiple submitters, no conflicts (2 of 4 stars). 6 submissions from 6 submitters: Pathogenic (2); Likely pathogenic (2). 2 of the submissions do not count toward it. Last evaluated 2025-11-10.

Conditions:
Hereditary breast ovarian cancer syndrome. Also called: Hereditary breast and ovarian cancer syndrome; Hereditary breast and ovarian cancer; Hereditary breast and ovarian cancer syndrome (HBOC); Breast and ovarian cancer; Hereditary breast and/or ovarian cancer syndrome; BRCA1- and BRCA2-Associated Hereditary Breast and Ovarian Cancer. Identifiers: Orphanet 145, MedGen C0677776, MeSH D061325, MONDO:0003582. Disease mechanism: loss of function.
Breast-ovarian cancer, familial, susceptibility to, 2 (BROVCA2). Also called: BRCA2 Hereditary Breast and Ovarian Cancer. Identifiers: Orphanet 145, MedGen C2675520, MONDO:0012933, OMIM 612555. Disease mechanism: loss of function.
Hereditary cancer-predisposing syndrome. Also called: Neoplastic Syndromes, Hereditary; Tumor predisposition; Hereditary neoplastic syndrome; Hereditary Cancer Syndrome. Identifiers: Orphanet 140162, MedGen C0027672, MeSH D009386, MONDO:0015356.

Allele frequency attached by ClinVar (database versions not stated): gnomAD exomes below 0.00001.
gnomAD v4.1: 3 of 1,612,898 alleles (0.00019%); highest among the groups gnomAD compares: Non-Finnish European, 0.00025%; no homozygotes.

Submissions (6):

Labcorp Genetics (formerly Invitae), Labcorp
Classification: Pathogenic for Hereditary breast ovarian cancer syndrome. Last evaluated: 2025-11-10. Review status: criteria provided, single submitter. Criteria: Invitae Variant Classification Sherloc (09022015). Collection method: clinical testing. Allele origin: germline.
Comment: This sequence change replaces tyrosine, which is neutral and polar, with aspartic acid, which is acidic and polar, at codon 2660 of the BRCA2 protein (p.Tyr2660Asp). This variant is not present in population databases (gnomAD no frequency). This missense change has been observed in individual(s) with hereditary breast and ovarian cancer and ovarian cancer (PMID: 16683254, 19200354, 19563646, 20406929). It has also been observed to segregate with disease in related individuals. ClinVar contains an entry for this variant (Variation ID: 52458). Based on a multifactorial likelihood algorithm using genetic, in silico, and/or statistical data, this variant has been determined to have a high probability of being pathogenic (PMID: 19563646). Experimental studies have shown that this missense change affects BRCA2 function (PMID: 23108138). For these reasons, this variant has been classified as Pathogenic.

Ambry Genetics
Classification: Likely pathogenic for Hereditary cancer-predisposing syndrome. Last evaluated: 2025-08-04. Review status: criteria provided, single submitter. Criteria: Ambry Variant Classification Scheme 2023. Collection method: clinical testing. Allele origin: germline.
Comment: The p.Y2660D variant (also known as c.7978T>G), located in coding exon 17 of the BRCA2 gene, results from a T to G substitution at nucleotide position 7978. The tyrosine at codon 2660 is replaced by aspartic acid, an amino acid with highly dissimilar properties. In one study, this alteration was identified in nine breast and/or ovarian cancer families and was reported to segregate with disease in eight individuals from five families (G&oacute;mez Garc&iacute;a EB et al. Breast Cancer Res., 2009 Feb;11:R8). This alteration was non-functional in homology-directed DNA repair (HDR) assays (Guidugli L et al. Cancer Res., 2013 Jan;73:265-75; Guidugli L et al. Am J Hum Genet, 2018 02;102:233-248; Hart SN et al. Genet Med, 2019 01;21:71-80; Richardson ME et al. Am J Hum Genet, 2021 03;108:458-468). This variant was found to be functionally deficient in a BRCA2-null mouse embryonic stem cell complementation assay (Mesman RLS et al. Genet Med, 2019 02;21:293-302). Two saturation genome editing-based studies, including a haploid cell-survival assay and a humanized mouse embryonic stem cell line assay of drug response and survival, demonstrate that this nucleotide substitution is non-functional(Huang H et al. Nature. 2025 Feb;638(8050):528-537; Sahu S et al. Nature. 2025 Feb;638(8050):538-545). This amino acid position is highly conserved in available vertebrate species. In addition, this alteration is predicted to be deleterious by in silico analysis. This variant is considered to be rare based on population cohorts in the Genome Aggregation Database (gnomAD). Based on the majority of available evidence to date, this variant is likely to be pathogenic.

Color Diagnostics, LLC DBA Color Health
Classification: Likely pathogenic for Hereditary cancer-predisposing syndrome. Last evaluated: 2020-03-19. Review status: criteria provided, single submitter. Criteria: ACMG Guidelines, 2015. Collection method: clinical testing. Allele origin: germline.
Comment: This missense variant replaces tyrosine with aspartic acid at codon 2660 of the BRCA2 protein. Computational prediction tool suggests that this variant may have deleterious impact on protein structure and function (internally defined REVEL score threshold >= 0.7, PMID: 27666373). Functional studies have shown that this variant disrupts homology-directed DNA repair activity (PMID: 23108138, 24323938) and fails to complement the lethality phenotype in BRCA2-deficient mouse embryonic stem cells (PMID: 29988080). This variant has been reported in individuals affected with breast and/or ovarian cancer (PMID: 16683254, 19200354). In addition, several multifactorial likelihood models using health history and experimental data have suggested this variant have a high probability of being pathogenic (PMID: 19200354, 19563646, 29394989). This variant has not been identified in the general population by the Genome Aggregation Database (gnomAD). Based on the available evidence, this variant is classified as Likely Pathogenic.

GeneDx
Classification: Pathogenic. Last evaluated: 2015-07-09. Review status: criteria provided, single submitter. Criteria: GeneDx Variant Classification (06012015). Collection method: clinical testing. Allele origin: germline. Affected: yes.
Comment: This pathogenic variant is denoted BRCA2 c.7978T>G at the cDNA level, p.Tyr2660Asp (Y2660D) at the protein level, and results in the change of a Tyrosine to an Aspartic Acid (TAT>GAT). Using alternate nomenclature, this variant has been previously published as BRCA2 8206T>G. BRCA2 Tyr2660Asp has been observed in multiple individuals with hereditary breast and ovarian cancer and has been reported to co-segregate with disease in affected family members (van der Hout 2006, Gomez-Garcia 2009, Mohammadi 2009). Cell based functional studies demonstrated impaired repair activity similar to other known pathogenic variants (Guidugli 2013). BRCA2 Tyr2660Asp was not observed in approximately 6,500 individuals of European and African American ancestry in the NHLBI Exome Sequencing Project, suggesting it is not a common benign variant in these populations. Since Tyrosine and Aspartic Acid differ in polarity, charge, size or other properties, this is considered a non-conservative amino acid substitution. BRCA2 Tyr2660Asp occurs at a position that is conserved across species and is located within the DNA binding domain (Borg 2010). Multiple published computational models predict this variant to have a deleterious effect (Karchin 2008, Guidugli 2013, Moghadasi 2013) and in house In silico analyses predict that this variant is probably damaging to protein structure and function. Based on the current evidence, we consider this variant to be pathogenic.

Sharing Clinical Reports Project (SCRP)
Classification: Likely pathogenic for Breast-ovarian cancer, familial 2. Last evaluated: 2012-07-25. Review status: no assertion criteria provided. Collection method: clinical testing. Allele origin: germline. Not counted in ClinVar's aggregate classification.

Breast Cancer Information Core (BIC) (BRCA2)
Classification: Uncertain significance for Breast-ovarian cancer, familial 2. Last evaluated: 1999-04-05. Review status: no assertion criteria provided. Collection method: clinical testing. Allele origin: germline. Affected: yes. Observed: 2 variant alleles. Not counted in ClinVar's aggregate classification.

Literature cited by the submitters: PubMed 16683254 (cited by Labcorp Genetics (formerly Invitae), Labcorp); PubMed 19200354 (cited by Labcorp Genetics (formerly Invitae), Labcorp and Ambry Genetics); PubMed 19563646 (cited by Labcorp Genetics (formerly Invitae), Labcorp); PubMed 20406929 (cited by Labcorp Genetics (formerly Invitae), Labcorp); PubMed 23108138 (cited by Labcorp Genetics (formerly Invitae), Labcorp and Ambry Genetics); PubMed 19043619 (cited by Ambry Genetics); PubMed 23231788 (cited by Ambry Genetics); PubMed 29394989 (cited by Ambry Genetics); PubMed 29884841 (cited by Ambry Genetics); PubMed 29988080 (cited by Ambry Genetics); PubMed 32444794 (cited by Ambry Genetics); PubMed 33609447 (cited by Ambry Genetics); PubMed 39779848 (cited by Ambry Genetics); PubMed 39779857 (cited by Ambry Genetics).

NM_000059.4(BRCA2):c.7978T>G (p.Tyr2660Asp)

Gene: BRCA2 (BRCA2 DNA repair associated; plus strand). Cytogenetic location: 13q13.1.
Variant type: single nucleotide variant.
Coding change: c.7978T>G on transcript NM_000059.4 (MANE Select); coding-DNA position 7978, T replaced by G.
Protein change: p.Tyr2660Asp; replaces tyrosine 2660 with aspartic acid.
Molecular consequence: missense variant.
Genome position (GRCh38, 1-based): chr13:32,363,180, T>G. VCF-style: chr13-32363180-T-G. GRCh37 (hg19) VCF-style: chr13-32937317-T-G.
Other names: 8206T>G; short protein forms Y2660D.
Identifiers: ClinVar variation 52458 (VCV000052458.20), dbSNP rs80359029, ClinGen allele CA025377.